The following is an entry in ClinVar:

ClinVar aggregate classification (germline): Uncertain significance (1 of 4 stars; one submission).

Submission:

Labcorp Genetics (formerly Invitae), Labcorp
Classification: Uncertain significance. Last evaluated: 2023-04-12. Review status: criteria provided, single submitter. Criteria: Invitae Variant Classification Sherloc (09022015). Collection method: clinical testing. Allele origin: germline.
Comment: This sequence change replaces proline, which is neutral and non-polar, with alanine, which is neutral and non-polar, at codon 806 of the OPA1 protein (p.Pro806Ala). This variant is not present in population databases (gnomAD no frequency). This variant has not been reported in the literature in individuals affected with OPA1-related conditions. Advanced modeling of protein sequence and biophysical properties (such as structural, functional, and spatial information, amino acid conservation, physicochemical variation, residue mobility, and thermodynamic stability) performed at Invitae indicates that this missense variant is not expected to disrupt OPA1 protein function. In summary, the available evidence is currently insufficient to determine the role of this variant in disease. Therefore, it has been classified as a Variant of Uncertain Significance.

NM_130837.3(OPA1):c.2581C>G (p.Pro861Ala)

Gene: OPA1 (OPA1 mitochondrial dynamin like GTPase; plus strand). Cytogenetic location: 3q29.
Variant type: single nucleotide variant.
Coding change: c.2581C>G on transcript NM_130837.3 (MANE Select); coding-DNA position 2581, C replaced by G.
Protein change: p.Pro861Ala; replaces proline 861 with alanine.
Molecular consequence: missense variant.
Genome position (GRCh38, 1-based): chr3:193,662,882, C>G. VCF-style: chr3-193662882-C-G. GRCh37 (hg19) VCF-style: chr3-193380671-C-G.
Other names: c.2047C>G, p.Pro683Ala (NM_001354663.2); c.2044C>G, p.Pro682Ala (NM_001354664.2); c.2416C>G, p.Pro806Ala (NM_015560.3); c.2308C>G, p.Pro770Ala (NM_130831.3); c.2362C>G, p.Pro788Ala (NM_130832.3); c.2419C>G, p.Pro807Ala (NM_130833.3); c.2470C>G, p.Pro824Ala (NM_130834.3); c.2473C>G, p.Pro825Ala (NM_130835.3); and 1 more; short protein forms P683A, P806A, P807A, P824A, P825A, P861A, P770A, P788A.
Identifiers: ClinVar variation 2793645 (VCV002793645.3), dbSNP rs2475134503, ClinGen allele CA355793147.